The following is an entry in ClinVar:

ClinVar aggregate classification (germline): Likely benign. Review status: criteria provided, multiple submitters, no conflicts (2 of 4 stars). 4 submissions from 4 submitters: Likely benign (4). Last evaluated 2026-09-01.

Conditions:
Severe combined immunodeficiency due to DNA-PKcs deficiency. Also called: IMMUNODEFICIENCY 26 WITH NEUROLOGIC ABNORMALITIES; Immunodeficiency 26 with or without neurologic abnormalities. Identifiers: Orphanet 317425, MedGen C4014833, MONDO:0014423, OMIM 615966.

Allele frequency attached by ClinVar (database versions not stated): gnomAD exomes 0.00005 and 0.00009; gnomAD 0.00006; ExAC 0.00007; TOPMed 0.00015; 1000 Genomes Project 30x 0.00016; 1000 Genomes Project 0.00020.
gnomAD v4.1: 95 of 1,612,068 alleles (0.0059%); highest among the groups gnomAD compares: Middle Eastern, 0.033%; no homozygotes.

Submissions (4):

CeGaT Center for Human Genetics Tuebingen
Classification: Likely benign. Last evaluated: 2026-09-01. Review status: criteria provided, single submitter. Criteria: CeGaT Center For Human Genetics Tuebingen Variant Classification Criteria Version 2. Collection method: clinical testing. Allele origin: germline. Affected: yes. Observed: 1 variant allele.
Comment: PRKDC: BP4, BP7

Labcorp Genetics (formerly Invitae), Labcorp
Classification: Likely benign for Severe combined immunodeficiency due to DNA-PKcs deficiency. Last evaluated: 2026-01-19. Review status: criteria provided, single submitter. Criteria: Invitae Variant Classification Sherloc (09022015). Collection method: clinical testing. Allele origin: germline.

Blueprint Genetics
Classification: Likely benign. Last evaluated: 2024-07-04. Review status: criteria provided, single submitter. Criteria: ACMG Guidelines, 2015. Collection method: clinical testing. Allele origin: germline.

Ambry Genetics
Classification: Likely benign. Last evaluated: 2022-02-18. Review status: criteria provided, single submitter. Criteria: Ambry Variant Classification Scheme 2023. Collection method: clinical testing. Allele origin: germline.

NM_006904.7(PRKDC):c.2730C>T (p.Phe910=)

Gene: PRKDC (protein kinase, DNA-activated, catalytic subunit; minus strand). Cytogenetic location: 8q11.21.
Variant type: single nucleotide variant.
Coding change: c.2730C>T on transcript NM_006904.7 (MANE Select); coding-DNA position 2730, C replaced by T.
Protein change: p.Phe910=; no amino-acid change (phenylalanine 910 retained).
Molecular consequence: synonymous variant.
Genome position (GRCh38, 1-based): chr8:47,913,952, G>A on the plus strand (C>T on the coding strand, the complement: PRKDC is on the minus strand). VCF-style: chr8-47913952-G-A. GRCh37 (hg19) VCF-style: chr8-48826512-G-A.
Other names: c.2730C>T, p.Phe910= (NM_001081640.2).
Identifiers: ClinVar variation 1151957 (VCV001151957.13), dbSNP rs575267352, ClinGen allele CA4741392.
Genomic context (GRCh38, chr8:47,913,952, plus strand): 5'-TAGAAGTACTTTAGTTTGTCTGTCACTGGCTGTGAGCGCTAATTCTGTGACTCGAGGCAG[G>A]AACACATCCAGGAAAATGACAGGTTTCATCTCTCTAAAGGGCACTGCAAAGCTCAGCCGC-3'
Protein context (NP_008835.5, residues 900-920): EMKPVIFLDV[Phe910=]LPRVTELALT